The following is an entry in ClinVar:

NM_001165963.4(SCN1A):c.3764C>T (p.Ala1255Val)

Genes: SCN1A (sodium voltage-gated channel alpha subunit 1; minus strand), SCN1A-AS1 (SCN1A and SCN9A antisense RNA 1; plus strand), LOC102724058 (uncharacterized LOC102724058; plus strand). Cytogenetic location: 2q24.3.
Variant type: single nucleotide variant.
Coding change: c.3764C>T on transcript NM_001165963.4 (MANE Select); coding-DNA position 3764, C replaced by T.
Protein change: p.Ala1255Val; replaces alanine 1255 with valine.
Molecular consequence: missense variant. On other transcripts: non-coding transcript variant (1).
Genome position (GRCh38, 1-based): chr2:166,012,224, G>A on the plus strand (C>T on the coding strand, the complement: SCN1A is on the minus strand). VCF-style: chr2-166012224-G-A. GRCh37 (hg19) VCF-style: chr2-166868734-G-A.
Other names: c.3764C>T (NM_001165963.1); c.3731C>T, p.Ala1244Val (NM_001353952.2, NM_006920.6, NM_001353949.2 and 2 more transcripts); c.3728C>T, p.Ala1243Val (NM_001353954.2, NM_001353955.2); c.3680C>T, p.Ala1227Val (NM_001353957.2, NM_001353958.2, NM_001165964.3); c.3677C>T, p.Ala1226Val (NM_001353960.2); c.1322C>T, p.Ala441Val (NM_001353961.2); c.3764C>T, p.Ala1255Val (NM_001202435.3, NM_001353948.2); short protein forms A1226V, A1227V, A1243V, A1244V, A1255V, A441V.
Identifiers: ClinVar variation 3625115 (VCV003625115.4).

ClinVar aggregate classification (germline): Conflicting classifications of pathogenicity. Review status: criteria provided, conflicting classifications (1 of 4 stars). 3 submissions from 3 submitters: Likely pathogenic (1); Uncertain significance (2). Last evaluated 2026-09-02.

Conditions:
Severe myoclonic epilepsy in infancy (DRVT). Also called: SEVERE MYOCLONIC EPILEPSY OF INFANCY; DEVELOPMENTAL AND EPILEPTIC ENCEPHALOPATHY 6A; Severe Myoclonic Epilepsy in Infancy (SMEI); Dravet syndrome; Epileptic encephalopathy, early infantile, 6 (Dravet syndrome). Identifiers: Orphanet 33069, MedGen C0751122, MONDO:0100135, OMIM 607208.
Early-infantile DEE. Also called: Early infantile epileptic encephalopathy; Early infantile epileptic encephalopathy with suppression bursts; Ohtahara syndrome. Identifiers: Orphanet 1934, MedGen C0393706, MONDO:0800491.

gnomAD v4.1: 3 of 1,610,070 alleles (0.00019%); highest among the groups gnomAD compares: South Asian, 0.0033%; no homozygotes.

Submissions (3):

Institute of Medical Genetics and Applied Genomics, University Hospital Tübingen
Classification: Uncertain significance for Severe myoclonic epilepsy in infancy. Last evaluated: 2026-09-02. Review status: criteria provided, single submitter. Criteria: ACMG Guidelines, 2015. Collection method: clinical testing. Allele origin: germline. Inheritance: Autosomal dominant inheritance. Affected: yes.

GeneDx
Classification: Uncertain significance. Last evaluated: 2024-09-11. Review status: criteria provided, single submitter. Criteria: GeneDx Variant Classification Process June 2021. Collection method: clinical testing. Allele origin: germline. Affected: yes.
Comment: In silico analysis supports that this missense variant has a deleterious effect on protein structure/function; Has not been previously published as pathogenic or benign to our knowledge; This substitution is predicted to be within the transmembrane segment S2 of the third homologous domain

Labcorp Genetics (formerly Invitae), Labcorp
Classification: Likely pathogenic for Early-infantile DEE. Last evaluated: 2024-03-18. Review status: criteria provided, single submitter. Criteria: Invitae Variant Classification Sherloc (09022015). Collection method: clinical testing. Allele origin: germline.
Comment: This sequence change replaces alanine, which is neutral and non-polar, with valine, which is neutral and non-polar, at codon 1255 of the SCN1A protein (p.Ala1255Val). This variant is present in population databases (rs756535007, gnomAD 0.007%). This variant has not been reported in the literature in individuals affected with SCN1A-related conditions. Advanced modeling of protein sequence and biophysical properties (such as structural, functional, and spatial information, amino acid conservation, physicochemical variation, residue mobility, and thermodynamic stability) performed at Invitae indicates that this missense variant is expected to disrupt SCN1A protein function with a positive predictive value of 95%. This variant disrupts the p.Ala1255 amino acid residue in SCN1A. Other variant(s) that disrupt this residue have been determined to be pathogenic (PMID: 18930999). This suggests that this residue is clinically significant, and that variants that disrupt this residue are likely to be disease-causing. In summary, the currently available evidence indicates that the variant is pathogenic, but additional data are needed to prove that conclusively. Therefore, this variant has been classified as Likely Pathogenic.

Literature cited by the submitters: PubMed 18930999 (cited by Labcorp Genetics (formerly Invitae), Labcorp).